The following is an entry in ClinVar:

ClinVar aggregate classification (germline): Likely benign (0 of 4 stars; one submission).

Conditions:
TGM1-related disorder. Also called: TGM1-related condition.

Allele frequency attached by ClinVar (database versions not stated): gnomAD 0.00003; TOPMed 0.00007.

Submission:

PreventionGenetics, part of Exact Sciences
Classification: Likely benign for TGM1-related condition. Last evaluated: 2020-09-24. Review status: no assertion criteria provided. Collection method: clinical testing. Allele origin: germline.
Comment: This variant is classified as likely benign based on ACMG/AMP sequence variant interpretation guidelines (Richards et al. 2015 PMID: 25741868, with internal and published modifications).

NM_000359.3(TGM1):c.509-334C>T

Gene: TGM1 (transglutaminase 1; minus strand). Cytogenetic location: 14q12.
Variant type: single nucleotide variant.
Coding change: c.509-334C>T on transcript NM_000359.3 (MANE Select); 334 bases into the intron before coding-DNA position 509, C replaced by T.
Molecular consequence: intron variant.
Genome position (GRCh38, 1-based): chr14:24,261,032, G>A on the plus strand (C>T on the coding strand, the complement: TGM1 is on the minus strand). VCF-style: chr14-24261032-G-A. GRCh37 (hg19) VCF-style: chr14-24730238-G-A.
Identifiers: ClinVar variation 3042424 (VCV003042424.2), dbSNP rs760097979, ClinGen allele CA257900793.
Genomic context (GRCh38, chr14:24,261,032, plus strand): 5'-CACCTTCTGCCTGCCTGACTATCACAGTGCCTGGGCTGGAGGGGCAGATCCACCTGCCCC[G>A]TATGAAAGGGCAGTCCTGATCCTGAAGGCCAACCCTGCCTGCTTCCTGGGGCTGCAGCTT-3'